The following is an entry in ClinVar:

NM_005359.6(SMAD4):c.249+9T>A

Gene: SMAD4 (SMAD family member 4; plus strand). Cytogenetic location: 18q21.2.
Variant type: single nucleotide variant.
Coding change: c.249+9T>A on transcript NM_005359.6 (MANE Select); 9 bases into the intron after coding-DNA position 249, T replaced by A.
Molecular consequence: intron variant.
Genome position (GRCh38, 1-based): chr18:51,047,304, T>A. VCF-style: chr18-51047304-T-A. GRCh37 (hg19) VCF-style: chr18-48573674-T-A.
Other names: c.249+9T>A (NM_001407042.1, NM_001407041.1, NM_001407043.1).
Identifiers: ClinVar variation 3904524 (VCV003904524.1).

ClinVar aggregate classification (germline): Likely benign (1 of 4 stars; one submission).

Conditions:
Juvenile polyposis/hereditary hemorrhagic telangiectasia syndrome (JPHT). Also called: JP/HHT SYNDROME; JUVENILE POLYPOSIS WITH HEREDITARY HEMORRHAGIC TELANGIECTASIA; POLYPOSIS, GENERALIZED JUVENILE, WITH PULMONARY ARTERIOVENOUS MALFORMATION; TELANGIECTASIA, HEREDITARY HEMORRHAGIC, WITH JUVENILE POLYPOSIS COLI; Juvenile Polyposis Syndrome / Hereditary Hemorrhagic Telangiectasia (JPS/HHT). Identifiers: Orphanet 2929, MedGen C1832942, MONDO:0008278, OMIM 175050.

Submission:

Myriad Genetics, Inc.
Classification: Likely benign for Juvenile polyposis/hereditary hemorrhagic telangiectasia syndrome. Last evaluated: 2025-03-18. Review status: criteria provided, single submitter. Criteria: Myriad Autosomal Dominant, Autosomal Recessive and X-Linked Classification Criteria (2023). Collection method: clinical testing. Allele origin: unknown.
Comment: This variant is considered likely benign. This variant is intronic and is not expected to impact mRNA splicing.